The following is an entry in ClinVar:

ClinVar aggregate classification (germline): Likely pathogenic (1 of 4 stars; one submission).

Conditions:
Aortic valve disease 2 (AOVD2). Identifiers: MedGen C3542024, MONDO:0013902, OMIM 614823.

Submission:

MVZ Medizinische Genetik Mainz
Classification: Likely pathogenic for Aortic valve disease 2. Last evaluated: 2024-06-24. Review status: criteria provided, single submitter. Criteria: UK Practice Guidelines For Variant Classification V4 01 2020. Collection method: clinical testing. Allele origin: germline. Inheritance: Autosomal dominant inheritance. Affected: yes. Observed: 1 variant allele.
Comment: ACMG Criteria: PVS1,PM2_SUP

NM_005585.5(SMAD6):c.792C>G (p.Tyr264Ter)

Gene: SMAD6 (SMAD family member 6; plus strand). Cytogenetic location: 15q22.31.
Variant type: single nucleotide variant.
Coding change: c.792C>G on transcript NM_005585.5 (MANE Select); coding-DNA position 792, C replaced by G.
Protein change: p.Tyr264Ter; replaces tyrosine 264 with a stop codon.
Molecular consequence: nonsense. On other transcripts: non-coding transcript variant (1).
Genome position (GRCh38, 1-based): chr15:66,704,050, C>G. VCF-style: chr15-66704050-C-G. GRCh37 (hg19) VCF-style: chr15-66996388-C-G.
Other names: short protein forms Y264*.
Identifiers: ClinVar variation 3256710 (VCV003256710.1).